The following is an entry in ClinVar:

NM_013275.6(ANKRD11):c.3573C>G (p.Ala1191=)

Gene: ANKRD11 (ankyrin repeat domain 11; minus strand). Cytogenetic location: 16q24.3.
Variant type: single nucleotide variant.
Coding change: c.3573C>G on transcript NM_013275.6 (MANE Select); coding-DNA position 3573, C replaced by G.
Protein change: p.Ala1191=; no amino-acid change (alanine 1191 retained).
Molecular consequence: synonymous variant.
Genome position (GRCh38, 1-based): chr16:89,282,969, G>C on the plus strand (C>G on the coding strand, the complement: ANKRD11 is on the minus strand). VCF-style: chr16-89282969-G-C. GRCh37 (hg19) VCF-style: chr16-89349377-G-C.
Other names: c.3573C>G, p.Ala1191= (NM_001256182.2, NM_001256183.2).
Identifiers: ClinVar variation 380365 (VCV000380365.19), dbSNP rs62000377, ClinGen allele CA8242333.
Genomic context (GRCh38, chr16:89,282,969, plus strand): 5'-TTTATCCTTCTTCTCCTTGTGCTTTTCAAAGACTTTCTCTTTTTTGTCTCTCCCCGCGTC[G>C]GCAGCCCCTCGGTCCTTTCTCCTGTCTCTGGGCTCCTTGTCCTTCTGCCTCTCAGGGTGC-3'
Protein context (NP_037407.4, residues 1181-1201): PRDRRKDRGA[Ala1191=]DAGRDKKEKV

ClinVar aggregate classification (germline): Benign. Review status: criteria provided, multiple submitters, no conflicts (2 of 4 stars). 8 submissions from 8 submitters: Benign (8). Last evaluated 2026-05-09.

Conditions:
Inborn genetic diseases. Identifiers: MedGen C0950123, MeSH D030342.
KBG syndrome (KBGS). Also called: ANKRD11-Related KBG Syndrome. Identifiers: Orphanet 2332, MedGen C0220687, MONDO:0007846, OMIM 148050.

Allele frequency attached by ClinVar (database versions not stated): 1000 Genomes Project 30x 0.02733; TOPMed 0.02763; ESP Exome Variant Server 0.02924; 1000 Genomes Project 0.02995.
gnomAD v4.1: 62,982 of 1,612,760 alleles (3.9%); highest among the groups gnomAD compares: East Asian, 6.3%; 1,587 homozygotes.

Submissions (8):

Women's Health and Genetics/Laboratory Corporation of America, LabCorp
Classification: Benign. Last evaluated: 2026-05-09. Review status: criteria provided, single submitter. Criteria: LabCorp Variant Classification Summary - May 2015. Collection method: clinical testing. Allele origin: germline.

Labcorp Genetics (formerly Invitae), Labcorp
Classification: Benign for KBG syndrome. Last evaluated: 2026-02-03. Review status: criteria provided, single submitter. Criteria: Invitae Variant Classification Sherloc (09022015). Collection method: clinical testing. Allele origin: germline.

Blueprint Genetics
Classification: Benign. Last evaluated: 2024-11-27. Review status: criteria provided, single submitter. Criteria: ACMG Guidelines, 2015. Collection method: clinical testing. Allele origin: germline.

Athena Diagnostics
Classification: Benign. Last evaluated: 2024-02-16. Review status: criteria provided, single submitter. Criteria: Athena Diagnostics Criteria. Collection method: clinical testing. Allele origin: unknown.

Genome-Nilou Lab
Classification: Benign for KBG syndrome. Last evaluated: 2021-12-05. Review status: criteria provided, single submitter. Criteria: ACMG Guidelines, 2015. Collection method: clinical testing. Allele origin: germline. Affected: no.

Ambry Genetics
Classification: Benign for Inborn genetic diseases. Last evaluated: 2016-04-19. Review status: criteria provided, single submitter. Criteria: Ambry Variant Classification Scheme 2023. Collection method: clinical testing. Allele origin: germline.

GeneDx
Classification: Benign. Last evaluated: 2015-09-22. Review status: criteria provided, single submitter. Criteria: GeneDx Variant Classification (06012015). Collection method: clinical testing. Allele origin: germline. Affected: yes.
Comment: This variant is considered likely benign or benign based on one or more of the following criteria: it is a conservative change, it occurs at a poorly conserved position in the protein, it is predicted to be benign by multiple in silico algorithms, and/or has population frequency not consistent with disease.

Breakthrough Genomics
Classification: Benign. Review status: criteria provided, single submitter. Criteria: ACMG Guidelines, 2015. Collection method: not provided. Allele origin: germline. Inheritance: Autosomal dominant inheritance. Affected: yes.